The following is an entry in ClinVar:

ClinVar aggregate classification (germline): Likely benign (1 of 4 stars; one submission).

Submission:

GeneDx
Classification: Likely benign. Last evaluated: 2017-07-11. Review status: criteria provided, single submitter. Criteria: GeneDx Variant Classification (06012015). Collection method: clinical testing. Allele origin: germline. Affected: yes.
Comment: This variant is considered likely benign or benign based on one or more of the following criteria: it is a conservative change, it occurs at a poorly conserved position in the protein, it is predicted to be benign by multiple in silico algorithms, and/or has population frequency not consistent with disease.

NM_005629.4(SLC6A8):c.*3_*7del

Gene: SLC6A8 (solute carrier family 6 member 8; plus strand). Cytogenetic location: Xq28.
Variant type: Deletion.
Coding change: c.*3_*7del on transcript NM_005629.4 (MANE Select); 3 bases downstream of the stop codon through 7 bases downstream of the stop codon, 5 bases deleted (ACTCA; older notation c.*3_*7delACTCA).
Molecular consequence: 3 prime UTR variant.
Genome position (GRCh38, 1-based): chrX:153,695,217-153,695,221, ACTCA deleted; deleting any 5 consecutive bases within chrX:153,695,215-153,695,221 gives the same sequence; the c. name uses the placement nearest the transcript's 3' end. VCF-style (leftmost placement, unchanged base first): chrX-153695214-ACAACT-A. GRCh37 (hg19) VCF-style: chrX-152960669-ACAACT-A.
Other names: c.*3_*7del (NM_001142805.2, NM_001142806.1).
Identifiers: ClinVar variation 420887 (VCV000420887.1), dbSNP rs1064794768, ClinGen allele CA16621224.